The following is an entry in ClinVar:

ClinVar aggregate classification (germline): Benign/Likely benign. Review status: criteria provided, multiple submitters, no conflicts (2 of 4 stars). 3 submissions from 3 submitters: Benign (1); Likely benign (1). 1 of the submissions does not count toward it. Last evaluated 2025-11-22.

Conditions:
APC2-related disorder. Also called: APC2-Related Disorders; APC2-related condition.

Allele frequency attached by ClinVar (database versions not stated): ESP Exome Variant Server 0.00015; gnomAD 0.00017; TOPMed 0.00020; ExAC 0.00029.
gnomAD v4.1: 360 of 1,582,950 alleles (0.023%); highest among the groups gnomAD compares: Non-Finnish European, 0.012%; 1 homozygote.

Submissions (3):

Labcorp Genetics (formerly Invitae), Labcorp
Classification: Benign. Last evaluated: 2025-11-22. Review status: criteria provided, single submitter. Criteria: Invitae Variant Classification Sherloc (09022015). Collection method: clinical testing. Allele origin: germline.

CeGaT Center for Human Genetics Tuebingen
Classification: Likely benign. Last evaluated: 2023-10-01. Review status: criteria provided, single submitter. Criteria: CeGaT Center For Human Genetics Tuebingen Variant Classification Criteria Version 2. Collection method: clinical testing. Allele origin: germline. Affected: yes. Observed: 1 variant allele.
Comment: APC2: BP4, BP7

PreventionGenetics, part of Exact Sciences
Classification: Likely benign for APC2-related condition. Last evaluated: 2019-11-01. Review status: no assertion criteria provided. Collection method: clinical testing. Allele origin: germline. Not counted in ClinVar's aggregate classification.
Comment: This variant is classified as likely benign based on ACMG/AMP sequence variant interpretation guidelines (Richards et al. 2015 PMID: 25741868, with internal and published modifications).

NM_005883.3(APC2):c.483C>T (p.Gly161=)

Gene: APC2 (APC regulator of Wnt signaling pathway 2; plus strand). Cytogenetic location: 19p13.3.
Variant type: single nucleotide variant.
Coding change: c.483C>T on transcript NM_005883.3 (MANE Select); coding-DNA position 483, C replaced by T.
Protein change: p.Gly161=; no amino-acid change (glycine 161 retained).
Molecular consequence: synonymous variant.
Genome position (GRCh38, 1-based): chr19:1,455,218, C>T. VCF-style: chr19-1455218-C-T. GRCh37 (hg19) VCF-style: chr19-1455217-C-T.
Other names: c.483C>T, p.Gly161= (NM_001351273.1); c.483C>T (NM_005883.2).
Identifiers: ClinVar variation 2672731 (VCV002672731.27), dbSNP rs140079855, ClinGen allele CA9044750.